The following is an entry in ClinVar:

NM_002528.7(NTHL1):c.731C>T (p.Thr244Ile)

Gene: NTHL1 (nth like DNA glycosylase 1; minus strand). Cytogenetic location: 16p13.3.
Variant type: single nucleotide variant.
Coding change: c.731C>T on transcript NM_002528.7 (MANE Select); coding-DNA position 731, C replaced by T.
Protein change: p.Thr244Ile; replaces threonine 244 with isoleucine.
Molecular consequence: missense variant.
Genome position (GRCh38, 1-based): chr16:2,040,193, G>A on the plus strand (C>T on the coding strand, the complement: NTHL1 is on the minus strand). VCF-style: chr16-2040193-G-A. GRCh37 (hg19) VCF-style: chr16-2090194-G-A.
Other names: c.731C>T, p.Thr244Ile (LRG_1366t1); c.560C>T, p.Thr187Ile (NM_001318193.2); c.401C>T, p.Thr134Ile (NM_001318194.2); short protein forms T134I, T187I, T244I.
Identifiers: ClinVar variation 664208 (VCV000664208.16), dbSNP rs145312239, ClinGen allele CA276761803.
Genomic context (GRCh38, chr16:2,040,193, plus strand): 5'-CTAGGCAGCCACTCCTCCAGGGCGGCGCGGGTCTCCTCTGGGGACTTGGTTGCCTTCTTG[G>A]TCCACCTCAGCCTGTTGGCGATTCTGTGCACATGCGTGTCCACTGCTGCTGGGAGGCCAA-3'
Protein context (NP_002519.2, residues 234-254): VHRIANRLRW[Thr244Ile]KKATKSPEET

ClinVar aggregate classification (germline): Uncertain significance. Review status: criteria provided, multiple submitters, no conflicts (2 of 4 stars). 5 submissions from 5 submitters: Uncertain significance (5). Last evaluated 2026-01-11.

Conditions:
NTHL1-related disorder. Also called: NTHL1-related condition; NTHL1-related conditions.
Familial adenomatous polyposis 3. Also called: NTHL1-Related Adenomatous Polyposis and Colorectal Cancer; NTHL1-associated polyposis; NTHL1-related attenuated familial adenomatous polyposis; NTHL1 Tumor Syndrome. Identifiers: Orphanet 220460, Orphanet 454840, MedGen C4225157, MONDO:0014630, OMIM 616415.
Hereditary cancer-predisposing syndrome. Also called: Tumor predisposition; Hereditary neoplastic syndrome; Hereditary Cancer Syndrome; Neoplastic Syndromes, Hereditary. Identifiers: Orphanet 140162, MedGen C0027672, MeSH D009386, MONDO:0015356.

Allele frequency attached by ClinVar (database versions not stated): TOPMed 0.00002.
gnomAD v4.1: 3 of 1,613,846 alleles (0.00019%); highest among the groups gnomAD compares: Non-Finnish European, 0.00025%; no homozygotes.

Submissions (5):

Labcorp Genetics (formerly Invitae), Labcorp
Classification: Uncertain significance. Last evaluated: 2026-01-11. Review status: criteria provided, single submitter. Criteria: Invitae Variant Classification Sherloc (09022015). Collection method: clinical testing. Allele origin: germline.
Comment: This sequence change replaces threonine, which is neutral and polar, with isoleucine, which is neutral and non-polar, at codon 252 of the NTHL1 protein (p.Thr252Ile). This variant is not present in population databases (gnomAD no frequency). This variant has not been reported in the literature in individuals affected with NTHL1-related conditions. ClinVar contains an entry for this variant (Variation ID: 664208). An algorithm developed to predict the effect of missense changes on protein structure and function (PolyPhen-2) suggests that this variant is likely to be tolerated. In summary, the available evidence is currently insufficient to determine the role of this variant in disease. Therefore, it has been classified as a Variant of Uncertain Significance.

Ambry Genetics
Classification: Uncertain significance for Hereditary cancer-predisposing syndrome. Last evaluated: 2025-10-10. Review status: criteria provided, single submitter. Criteria: Ambry Variant Classification Scheme 2023. Collection method: clinical testing. Allele origin: germline.
Comment: The p.T252I variant (also known as c.755C>T), located in coding exon 5 of the NTHL1 gene, results from a C to T substitution at nucleotide position 755. The threonine at codon 252 is replaced by isoleucine, an amino acid with similar properties. This amino acid position is not well conserved in available vertebrate species. In addition, this alteration is predicted to be tolerated by in silico analysis. Since supporting evidence is limited at this time, the clinical significance of this alteration remains unclear.

PreventionGenetics, part of Exact Sciences
Classification: Uncertain significance for NTHL1-related condition. Last evaluated: 2025-07-03. Review status: criteria provided, single submitter. Criteria: ACMG Guidelines, 2015. Collection method: clinical testing. Allele origin: germline.
Comment: The NTHL1 c.755C>T variant is predicted to result in the amino acid substitution p.Thr252Ile. To our knowledge, this variant has not been reported in the literature or in a large population database (gnomAD), indicating this variant is rare. This variant is interpreted as uncertain in ClinVar. At this time, the clinical significance of this variant is uncertain due to the absence of conclusive functional and genetic evidence.

Baylor Genetics
Classification: Uncertain significance for Familial adenomatous polyposis 3. Last evaluated: 2023-09-15. Review status: criteria provided, single submitter. Criteria: ACMG Guidelines, 2015. Collection method: clinical testing. Allele origin: unknown.

Quest Diagnostics Nichols Institute San Juan Capistrano
Classification: Uncertain significance. Last evaluated: 2022-10-13. Review status: criteria provided, single submitter. Criteria: Quest Diagnostics criteria. Collection method: clinical testing. Allele origin: unknown.
Comment: The variant has not been reported in individuals with NTHL1-related conditions in the published literature. The frequency of this variant in the general population, 0.000013 (2/152224 chromosomes), is uninformative in assessment of its pathogenicity. Analysis of this variant using bioinformatics tools for the prediction of the effect of amino acid changes on protein structure and function yielded predictions that this variant is benign. Based on the available information, we are unable to determine the clinical significance of this variant.